The following is an entry in ClinVar:

NM_006009.4(TUBA1A):c.1203A>G (p.Lys401=)

Gene: TUBA1A (tubulin alpha 1a; minus strand). Cytogenetic location: 12q13.12.
Variant type: single nucleotide variant.
Coding change: c.1203A>G on transcript NM_006009.4 (MANE Select); coding-DNA position 1203, A replaced by G.
Protein change: p.Lys401=; no amino-acid change (lysine 401 retained).
Molecular consequence: synonymous variant.
Genome position (GRCh38, 1-based): chr12:49,185,163, T>C on the plus strand (A>G on the coding strand, the complement: TUBA1A is on the minus strand). VCF-style: chr12-49185163-T-C. GRCh37 (hg19) VCF-style: chr12-49578946-T-C.
Other names: c.1203A>G, p.Lys401= (NM_001270399.2); c.1098A>G, p.Lys366= (NM_001270400.2).
Identifiers: ClinVar variation 160144 (VCV000160144.8), dbSNP rs1065724, ClinGen allele CA173747.

ClinVar aggregate classification (germline): Benign/Likely benign. Review status: criteria provided, multiple submitters, no conflicts (2 of 4 stars). 3 submissions from 3 submitters: Benign (1); Likely benign (1). 1 of the submissions does not count toward it. Last evaluated 2025-11-25.

Conditions:
TUBA1A-related disorder. Also called: TUBA1A-related condition.

Allele frequency attached by ClinVar (database versions not stated): gnomAD 0.00002 and 0.00007; gnomAD exomes 0.00002 and 0.00004; TOPMed 0.00002; ExAC 0.00001.
gnomAD v4.1: 72 of 1,614,212 alleles (0.0045%); highest among the groups gnomAD compares: Admixed American, 0.015%; 3 homozygotes.

Submissions (3):

Labcorp Genetics (formerly Invitae), Labcorp
Classification: Likely benign. Last evaluated: 2025-11-25. Review status: criteria provided, single submitter. Criteria: Invitae Variant Classification Sherloc (09022015). Collection method: clinical testing. Allele origin: germline.

Genetic Services Laboratory, University of Chicago
Classification: Benign. Last evaluated: 2013-02-08. Review status: criteria provided, single submitter. Criteria: ACMG Guidelines, 2007. Collection method: clinical testing. Allele origin: germline. Inheritance: Autosomal dominant inheritance.

PreventionGenetics, part of Exact Sciences
Classification: Likely benign for TUBA1A-related condition. Last evaluated: 2024-05-01. Review status: no assertion criteria provided. Collection method: clinical testing. Allele origin: germline. Not counted in ClinVar's aggregate classification.
Comment: This variant is classified as likely benign based on ACMG/AMP sequence variant interpretation guidelines (Richards et al. 2015 PMID: 25741868, with internal and published modifications).